The following is an entry in ClinVar:

NM_001040108.2(MLH3):c.1099G>A (p.Glu367Lys)

Gene: MLH3 (mutL homolog 3; minus strand). Cytogenetic location: 14q24.3.
Variant type: single nucleotide variant.
Coding change: c.1099G>A on transcript NM_001040108.2 (MANE Select); coding-DNA position 1099, G replaced by A.
Protein change: p.Glu367Lys; replaces glutamic acid 367 with lysine.
Molecular consequence: missense variant.
Genome position (GRCh38, 1-based): chr14:75,048,557, C>T on the plus strand (G>A on the coding strand, the complement: MLH3 is on the minus strand). VCF-style: chr14-75048557-C-T. GRCh37 (hg19) VCF-style: chr14-75515260-C-T.
Other names: c.1099G>A, p.Glu367Lys (NM_014381.3); short protein forms E367K.
Identifiers: ClinVar variation 4552079 (VCV004552079.1).
Genomic context (GRCh38, chr14:75,048,557, plus strand): 5'-TCTCATCGGAAGTCACACGCTTCTGAAGAGTAGCATCAAATAAACTAAAACCATTATCTT[C>T]ACTAAATTCCTTAATATCCTCACCTGATAATTCCACAAATAATTTTTCTTGCTTTAAAAA-3'
Protein context (NP_001035197.1, residues 357-377): LSGEDIKEFS[Glu367Lys]DNGFSLFDAT

ClinVar aggregate classification (germline): Uncertain significance (1 of 4 stars; one submission).

Submission:

Ambry Genetics
Classification: Uncertain significance. Last evaluated: 2025-10-03. Review status: criteria provided, single submitter. Criteria: Ambry Variant Classification Scheme 2023. Collection method: clinical testing. Allele origin: germline.
Comment: The p.E367K variant (also known as c.1099G>A), located in coding exon 1 of the MLH3 gene, results from a G to A substitution at nucleotide position 1099. The glutamic acid at codon 367 is replaced by lysine, an amino acid with similar properties. This amino acid position is conserved. In addition, the in silico prediction for this alteration is inconclusive. Based on the available evidence, the clinical significance of this variant remains unclear.